The following is an entry in ClinVar:

ClinVar aggregate classification (germline): Uncertain significance (1 of 4 stars; one submission).

Conditions:
Hereditary cancer-predisposing syndrome. Also called: Neoplastic Syndromes, Hereditary; Tumor predisposition; Hereditary Cancer Syndrome; Hereditary neoplastic syndrome. Identifiers: Orphanet 140162, MedGen C0027672, MeSH D009386, MONDO:0015356.

Submission:

Ambry Genetics
Classification: Uncertain significance for Hereditary cancer-predisposing syndrome. Last evaluated: 2022-03-24. Review status: criteria provided, single submitter. Criteria: Ambry Variant Classification Scheme 2023. Collection method: clinical testing. Allele origin: germline.
Comment: The p.D299E variant (also known as c.897C>A), located in coding exon 2 of the AXIN2 gene, results from a C to A substitution at nucleotide position 897. The aspartic acid at codon 299 is replaced by glutamic acid, an amino acid with highly similar properties. This amino acid position is conserved. In addition, the in silico prediction for this alteration is inconclusive. Since supporting evidence is limited at this time, the clinical significance of this alteration remains unclear.

NM_004655.4(AXIN2):c.897C>A (p.Asp299Glu)

Gene: AXIN2 (axin 2; minus strand). Cytogenetic location: 17q24.1.
Variant type: single nucleotide variant.
Coding change: c.897C>A on transcript NM_004655.4 (MANE Select); coding-DNA position 897, C replaced by A.
Protein change: p.Asp299Glu; replaces aspartic acid 299 with glutamic acid.
Molecular consequence: missense variant.
Genome position (GRCh38, 1-based): chr17:65,549,579, G>T on the plus strand (C>A on the coding strand, the complement: AXIN2 is on the minus strand). VCF-style: chr17-65549579-G-T. GRCh37 (hg19) VCF-style: chr17-63545697-G-T.
Other names: c.897C>A, p.Asp299Glu (NM_001363813.1); short protein forms D299E.
Identifiers: ClinVar variation 1765305 (VCV001765305.2), dbSNP rs748143308, ClinGen allele CA400679546.